The following is an entry in ClinVar:

NM_198968.4(DZIP1):c.1107_1110del (p.Ser369fs)

Gene: DZIP1 (DAZ interacting zinc finger protein 1; minus strand). Cytogenetic location: 13q32.1.
Variant type: Deletion.
Coding change: c.1107_1110del on transcript NM_198968.4 (MANE Select); coding-DNA positions 1107 to 1110, 4 bases deleted (TCAG; older notation c.1107_1110delTCAG).
Protein change: p.Ser369fs; shifts the reading frame from serine 369.
Molecular consequence: frameshift variant.
Genome position (GRCh38, 1-based): chr13:95,622,343-95,622,346, CTGA deleted on the plus strand (TCAG on the coding strand, the reverse complement: DZIP1 is on the minus strand); deleting any 4 consecutive bases within chr13:95,622,343-95,622,348 gives the same sequence; the c. name uses the placement nearest the transcript's 3' end. VCF-style (leftmost placement, unchanged base first): chr13-95622342-CCTGA-C. GRCh37 (hg19) VCF-style: chr13-96274596-CCTGA-C.
Other names: c.1107_1110del, p.Ser369fs (NM_014934.5); c.1107_1110delTCAG (NM_198968.4); short protein forms S369fs.
Identifiers: ClinVar variation 4849321 (VCV004849321.1).

ClinVar aggregate classification (germline): Likely pathogenic (1 of 4 stars; one submission).

Conditions:
Spermatogenic failure 47. Identifiers: MedGen C5436818, MONDO:0030844, OMIM 619102.

Submission:

First Genomix Gene Laboratory, Genetic Diagnostics Department
Classification: Likely pathogenic for Spermatogenic failure 47. Last evaluated: 2025-07-25. Review status: criteria provided, single submitter. Criteria: ACMG Guidelines, 2015. Collection method: clinical testing. Allele origin: germline. Inheritance: Autosomal recessive inheritance. Affected: no. Observed: 1 variant allele.